The following is an entry in ClinVar:

ClinVar aggregate classification (germline): Uncertain significance (1 of 4 stars; one submission).

gnomAD v4.1: 1 of 1,536,844 alleles (0.000065%); highest among the groups gnomAD compares: Non-Finnish European, 0.000087%; no homozygotes.

Submission:

Labcorp Genetics (formerly Invitae), Labcorp
Classification: Uncertain significance. Last evaluated: 2025-11-13. Review status: criteria provided, single submitter. Criteria: Invitae Variant Classification Sherloc (09022015). Collection method: clinical testing. Allele origin: germline.
Comment: This sequence change replaces methionine, which is neutral and non-polar, with isoleucine, which is neutral and non-polar, at codon 259 of the MAGEL2 protein (p.Met259Ile). This variant is present in population databases (no rsID available, gnomAD 0.002%). This variant has not been reported in the literature in individuals affected with MAGEL2-related conditions. An algorithm developed to predict the effect of missense changes on protein structure and function outputs the following: PolyPhen-2: "Not Available". The isoleucine amino acid residue is found in multiple mammalian species, which suggests that this missense change does not adversely affect protein function. In summary, the available evidence is currently insufficient to determine the role of this variant in disease. Therefore, it has been classified as a Variant of Uncertain Significance.

NM_019066.5(MAGEL2):c.777G>A (p.Met259Ile)

Gene: MAGEL2 (MAGE family member L2; minus strand). Cytogenetic location: 15q11.2.
Variant type: single nucleotide variant.
Coding change: c.777G>A on transcript NM_019066.5 (MANE Select); coding-DNA position 777, G replaced by A.
Protein change: p.Met259Ile; replaces methionine 259 with isoleucine.
Molecular consequence: missense variant.
Genome position (GRCh38, 1-based): chr15:23,646,966, C>T on the plus strand (G>A on the coding strand, the complement: MAGEL2 is on the minus strand). VCF-style: chr15-23646966-C-T. GRCh37 (hg19) VCF-style: chr15-23892113-C-T.
Other names: short protein forms M259I.
Identifiers: ClinVar variation 4780721 (VCV004780721.1).